The following is an entry in ClinVar:

NM_000245.4(MET):c.1284C>A (p.Asp428Glu)

Gene: MET (MET proto-oncogene, receptor tyrosine kinase; plus strand). Cytogenetic location: 7q31.2.
Variant type: single nucleotide variant.
Coding change: c.1284C>A on transcript NM_000245.4 (MANE Select); coding-DNA position 1284, C replaced by A.
Protein change: p.Asp428Glu; replaces aspartic acid 428 with glutamic acid.
Molecular consequence: missense variant. On other transcripts: 5 prime UTR variant (1).
Genome position (GRCh38, 1-based): chr7:116,731,751, C>A. VCF-style: chr7-116731751-C-A. GRCh37 (hg19) VCF-style: chr7-116371805-C-A.
Other names: c.1284C>A, p.Asp428Glu (NM_001127500.3, NM_001324401.3); c.-7C>A (NM_001324402.2); short protein forms D428E.
Identifiers: ClinVar variation 3872377 (VCV003872377.1).

ClinVar aggregate classification (germline): Uncertain significance (1 of 4 stars; one submission).

Conditions:
Hereditary cancer-predisposing syndrome. Also called: Tumor predisposition; Neoplastic Syndromes, Hereditary; Hereditary Cancer Syndrome; Hereditary neoplastic syndrome. Identifiers: Orphanet 140162, MedGen C0027672, MeSH D009386, MONDO:0015356.

Submission:

Ambry Genetics
Classification: Uncertain significance for Hereditary cancer-predisposing syndrome. Last evaluated: 2025-01-25. Review status: criteria provided, single submitter. Criteria: Ambry Variant Classification Scheme 2023. Collection method: clinical testing. Allele origin: germline.
Comment: The p.D428E variant (also known as c.1284C>A), located in coding exon 2 of the MET gene, results from a C to A substitution at nucleotide position 1284. The aspartic acid at codon 428 is replaced by glutamic acid, an amino acid with highly similar properties. This amino acid position is conserved. In addition, the in silico prediction for this alteration is inconclusive. Based on the available evidence, the clinical significance of this variant remains unclear.